The following is an entry in ClinVar:

NM_021098.3(CACNA1H):c.1179C>G (p.Phe393Leu)

Gene: CACNA1H (calcium voltage-gated channel subunit alpha1 H; plus strand). Cytogenetic location: 16p13.3.
Variant type: single nucleotide variant.
Coding change: c.1179C>G on transcript NM_021098.3 (MANE Select); coding-DNA position 1179, C replaced by G.
Protein change: p.Phe393Leu; replaces phenylalanine 393 with leucine.
Molecular consequence: missense variant.
Genome position (GRCh38, 1-based): chr16:1,200,775, C>G. VCF-style: chr16-1200775-C-G. GRCh37 (hg19) VCF-style: chr16-1250775-C-G.
Other names: c.1179C>G, p.Phe393Leu (NM_001005407.2); short protein forms F393L.
Identifiers: ClinVar variation 2502018 (VCV002502018.1), dbSNP rs939109422, ClinGen allele CA394158399.

ClinVar aggregate classification (germline): Uncertain significance (1 of 4 stars; one submission).

gnomAD v4.1: 2 of 1,554,190 alleles (0.00013%); highest among the groups gnomAD compares: Non-Finnish European, 0.00017%; no homozygotes.

Submission:

GeneDx
Classification: Uncertain significance. Last evaluated: 2022-11-09. Review status: criteria provided, single submitter. Criteria: GeneDx Variant Classification Process June 2021. Collection method: clinical testing. Allele origin: germline. Affected: yes.
Comment: Not observed at significant frequency in large population cohorts (gnomAD); In silico analysis supports that this missense variant has a deleterious effect on protein structure/function; Has not been previously published as pathogenic or benign to our knowledge